The following is an entry in ClinVar:

ClinVar aggregate classification (germline): Likely benign. Review status: criteria provided, multiple submitters, no conflicts (2 of 4 stars). 2 submissions from 2 submitters: Likely benign (2). Last evaluated 2025-12-23.

Submissions (2):

Labcorp Genetics (formerly Invitae), Labcorp
Classification: Likely benign. Last evaluated: 2025-12-23. Review status: criteria provided, single submitter. Criteria: Invitae Variant Classification Sherloc (09022015). Collection method: clinical testing. Allele origin: germline.

GeneDx
Classification: Likely benign. Last evaluated: 2017-06-05. Review status: criteria provided, single submitter. Criteria: GeneDx Variant Classification (06012015). Collection method: clinical testing. Allele origin: germline. Affected: yes.
Comment: This variant is considered likely benign or benign based on one or more of the following criteria: it is a conservative change, it occurs at a poorly conserved position in the protein, it is predicted to be benign by multiple in silico algorithms, and/or has population frequency not consistent with disease.

NM_001384732.1(CPLANE1):c.938+19_938+22del

Gene: CPLANE1 (ciliogenesis and planar polarity effector complex subunit 1; minus strand). Cytogenetic location: 5p13.2.
Variant type: Microsatellite.
Coding change: c.938+19_938+22del on transcript NM_001384732.1 (MANE Select); bases 19 to 22 of the intron after coding-DNA position 938, 4 bases deleted (GTCT; older notation c.938+19_938+22delGTCT).
Molecular consequence: intron variant.
Genome position (GRCh38, 1-based): chr5:37,238,835-37,238,838, AGAC deleted on the plus strand (GTCT on the coding strand, the reverse complement: CPLANE1 is on the minus strand); deleting any 4 consecutive bases within chr5:37,238,835-37,238,843 gives the same sequence; the c. name uses the placement nearest the transcript's 3' end. VCF-style (leftmost placement, unchanged base first): chr5-37238834-AAGAC-A. GRCh37 (hg19) VCF-style: chr5-37238936-AAGAC-A.
Other names: c.938+19_938+22del (NM_023073.4); c.938+19_938+22delGTCT (NM_023073.3).
Identifiers: ClinVar variation 510027 (VCV000510027.8), dbSNP rs748583943, ClinGen allele CA3239148.